The following is an entry in ClinVar:

ClinVar aggregate classification (germline): Uncertain significance (1 of 4 stars; one submission).

Allele frequency attached by ClinVar (database versions not stated): gnomAD 0.00001; ExAC 0.00002.
gnomAD v4.1: 10 of 1,613,952 alleles (0.00062%); highest among the groups gnomAD compares: Admixed American, 0.017%; no homozygotes.

Submission:

Labcorp Genetics (formerly Invitae), Labcorp
Classification: Uncertain significance. Last evaluated: 2022-10-24. Review status: criteria provided, single submitter. Criteria: Invitae Variant Classification Sherloc (09022015). Collection method: clinical testing. Allele origin: germline.
Comment: This sequence change replaces glutamine, which is neutral and polar, with histidine, which is basic and polar, at codon 63 of the LCA5 protein (p.Gln63His). This variant is present in population databases (rs772195284, gnomAD 0.02%). This variant has not been reported in the literature in individuals affected with LCA5-related conditions. Algorithms developed to predict the effect of missense changes on protein structure and function output the following: SIFT: "Tolerated"; PolyPhen-2: "Benign"; Align-GVGD: "Class C0". The histidine amino acid residue is found in multiple mammalian species, which suggests that this missense change does not adversely affect protein function. In summary, the available evidence is currently insufficient to determine the role of this variant in disease. Therefore, it has been classified as a Variant of Uncertain Significance.

NM_001122769.3(LCA5):c.189A>C (p.Gln63His)

Gene: LCA5 (lebercilin LCA5; minus strand). Cytogenetic location: 6q14.1.
Variant type: single nucleotide variant.
Coding change: c.189A>C on transcript NM_001122769.3 (MANE Select); coding-DNA position 189, A replaced by C.
Protein change: p.Gln63His; replaces glutamine 63 with histidine.
Molecular consequence: missense variant.
Genome position (GRCh38, 1-based): chr6:79,518,706, T>G on the plus strand (A>C on the coding strand, the complement: LCA5 is on the minus strand). VCF-style: chr6-79518706-T-G. GRCh37 (hg19) VCF-style: chr6-80228423-T-G.
Other names: c.189A>C, p.Gln63His (NM_181714.4); short protein forms Q63H.
Identifiers: ClinVar variation 2086045 (VCV002086045.1), dbSNP rs772195284, ClinGen allele CA3901190.